The following is an entry in ClinVar:

ClinVar aggregate classification (germline): Uncertain significance (1 of 4 stars; one submission).

Conditions:
Aortic aneurysm, familial thoracic 7 (AAT7). Also called: AORTIC DISSECTION, FAMILIAL, WITH OR WITHOUT AORTIC ANEURYSM. Identifiers: MedGen C3151077, MONDO:0013418, OMIM 613780.

Allele frequency attached by ClinVar (database versions not stated): TOPMed below 0.00001; gnomAD 0.00001.
gnomAD v4.1: 1 of 1,614,118 alleles (0.000062%); highest among the groups gnomAD compares: Non-Finnish European, 0.000085%; no homozygotes.

Submission:

Labcorp Genetics (formerly Invitae), Labcorp
Classification: Uncertain significance for Aortic aneurysm, familial thoracic 7. Last evaluated: 2025-03-19. Review status: criteria provided, single submitter. Criteria: Invitae Variant Classification Sherloc (09022015). Collection method: clinical testing. Allele origin: germline.
Comment: This sequence change replaces isoleucine, which is neutral and non-polar, with methionine, which is neutral and non-polar, at codon 744 of the MYLK protein (p.Ile744Met). This variant is not present in population databases (gnomAD no frequency). This variant has not been reported in the literature in individuals affected with MYLK-related conditions. ClinVar contains an entry for this variant (Variation ID: 2805359). Invitae Evidence Modeling of protein sequence and biophysical properties (such as structural, functional, and spatial information, amino acid conservation, physicochemical variation, residue mobility, and thermodynamic stability) indicates that this missense variant is not expected to disrupt MYLK protein function with a negative predictive value of 80%. In summary, the available evidence is currently insufficient to determine the role of this variant in disease. Therefore, it has been classified as a Variant of Uncertain Significance.

NM_053025.4(MYLK):c.2232A>G (p.Ile744Met)

Gene: MYLK (myosin light chain kinase; minus strand). Cytogenetic location: 3q21.1.
Variant type: single nucleotide variant.
Coding change: c.2232A>G on transcript NM_053025.4 (MANE Select); coding-DNA position 2232, A replaced by G.
Protein change: p.Ile744Met; replaces isoleucine 744 with methionine.
Molecular consequence: missense variant.
Genome position (GRCh38, 1-based): chr3:123,707,912, T>C on the plus strand (A>G on the coding strand, the complement: MYLK is on the minus strand). VCF-style: chr3-123707912-T-C. GRCh37 (hg19) VCF-style: chr3-123426759-T-C.
Other names: c.1704A>G, p.Ile568Met (NM_001321309.2); c.2025A>G, p.Ile675Met (NM_053026.4, NM_053028.4); c.2232A>G, p.Ile744Met (NM_053027.4); short protein forms I568M, I675M, I744M.
Identifiers: ClinVar variation 2805359 (VCV002805359.3), dbSNP rs2061524301, ClinGen allele CA354233992.
Genomic context (GRCh38, chr3:123,707,912, plus strand): 5'-GTCTTTGCAGAGGGCTTTGCCATCTCTGAGCCAGTGCACGGTAGGAAAGGGGTCACCAGC[T>C]ATGGCGCAGGAGATGAGGACACTCTGGCCCAGGGAGGCTGTCACTGAGCGAGGCTTACTG-3'
Protein context (NP_444253.3, residues 734-754): LGQSVLISCA[Ile744Met]AGDPFPTVHW